The following is an entry in ClinVar:

ClinVar aggregate classification (germline): Uncertain significance (1 of 4 stars; one submission).

Conditions:
Salla disease (SD). Also called: Sialuria, Finnish type; N-acetylneuraminic acid (NANA) storage disease (NSD); Infantile sialic acid storage disorder (ISSD); Less Severe FSASD (Salla Disease). Identifiers: Orphanet 309334, Orphanet 834, MedGen C1096903, MONDO:0011449, OMIM 604369.

Allele frequency attached by ClinVar (database versions not stated): ExAC 0.00001; gnomAD 0.00001; gnomAD exomes 0.00001; TOPMed 0.00001; ESP Exome Variant Server 0.00008.
gnomAD v4.1: 18 of 1,613,870 alleles (0.0011%); highest among the groups gnomAD compares: Admixed American, 0.0033%; no homozygotes.

Submission:

Labcorp Genetics (formerly Invitae), Labcorp
Classification: Uncertain significance for Salla disease. Last evaluated: 2022-07-16. Review status: criteria provided, single submitter. Criteria: Invitae Variant Classification Sherloc (09022015). Collection method: clinical testing. Allele origin: germline.
Comment: This sequence change replaces alanine, which is neutral and non-polar, with threonine, which is neutral and polar, at codon 463 of the SLC17A5 protein (p.Ala463Thr). This variant is present in population databases (rs367852327, gnomAD 0.006%). This variant has not been reported in the literature in individuals affected with SLC17A5-related conditions. ClinVar contains an entry for this variant (Variation ID: 1487426). Algorithms developed to predict the effect of missense changes on protein structure and function are either unavailable or do not agree on the potential impact of this missense change (SIFT: "Deleterious"; PolyPhen-2: "Benign"; Align-GVGD: "Class C0"). In summary, the available evidence is currently insufficient to determine the role of this variant in disease. Therefore, it has been classified as a Variant of Uncertain Significance.

NM_012434.5(SLC17A5):c.1387G>A (p.Ala463Thr)

Gene: SLC17A5 (solute carrier family 17 member 5; minus strand). Cytogenetic location: 6q13.
Variant type: single nucleotide variant.
Coding change: c.1387G>A on transcript NM_012434.5 (MANE Select); coding-DNA position 1387, G replaced by A.
Protein change: p.Ala463Thr; replaces alanine 463 with threonine.
Molecular consequence: missense variant. On other transcripts: synonymous variant (2).
Genome position (GRCh38, 1-based): chr6:73,595,178, C>T on the plus strand (G>A on the coding strand, the complement: SLC17A5 is on the minus strand). VCF-style: chr6-73595178-C-T. GRCh37 (hg19) VCF-style: chr6-74304901-C-T.
Other names: c.1156G>A, p.Ala386Thr (NM_001382629.1); c.1296G>A, p.Leu432= (NM_001382630.1); c.1408G>A, p.Ala470Thr (NM_001382631.1); c.1300G>A, p.Ala434Thr (NM_001382632.1); c.1485G>A, p.Leu495= (NM_001382633.1); c.1228G>A, p.Ala410Thr (NM_001382634.1); c.1384G>A, p.Ala462Thr (NM_001382635.1); c.1069G>A, p.Ala357Thr (NM_001382636.1); short protein forms A386T, A434T, A410T, A357T, A463T, A462T, A470T.
Identifiers: ClinVar variation 1487426 (VCV001487426.3), dbSNP rs367852327, ClinGen allele CA3890264.
Genomic context (GRCh38, chr6:73,595,178, plus strand): 5'-GTACTTCACCTTTGGCGAATAGTGTAAAGAAAATGGCACCAAAAACATTAATAGCAGCAG[C>T]AATATAGAACACGGTTTGCCATTCTCCAACAGTGTTCTATAAAGGAAGACAAAAAATGCA-3'
Protein context (NP_036566.1, residues 453-473): VGEWQTVFYI[Ala463Thr]AAINVFGAIF